The following is an entry in ClinVar:

NM_001039141.3(TRIOBP):c.6243G>A (p.Ala2081=)

Gene: TRIOBP (TRIO and F-actin binding protein; plus strand). Cytogenetic location: 22q13.1.
Variant type: single nucleotide variant.
Coding change: c.6243G>A on transcript NM_001039141.3 (MANE Select); coding-DNA position 6243, G replaced by A.
Protein change: p.Ala2081=; no amino-acid change (alanine 2081 retained).
Molecular consequence: synonymous variant.
Genome position (GRCh38, 1-based): chr22:37,759,183, G>A. VCF-style: chr22-37759183-G-A. GRCh37 (hg19) VCF-style: chr22-38155190-G-A.
Other names: c.1104G>A, p.Ala368= (NM_007032.5, NM_138632.2).
Identifiers: ClinVar variation 1218271 (VCV001218271.27), dbSNP rs749289977, ClinGen allele CA10224922.

ClinVar aggregate classification (germline): Likely benign. Review status: criteria provided, multiple submitters, no conflicts (2 of 4 stars). 2 submissions from 2 submitters: Likely benign (2). Last evaluated 2022-05-01.

Allele frequency attached by ClinVar (database versions not stated): gnomAD exomes 0.00002; ExAC 0.00003; gnomAD 0.00004; TOPMed 0.00007.
gnomAD v4.1: 19 of 1,612,766 alleles (0.0012%); highest among the groups gnomAD compares: African/African-American, 0.011%; no homozygotes.

Submissions (2):

CeGaT Center for Human Genetics Tuebingen
Classification: Likely benign. Last evaluated: 2022-05-01. Review status: criteria provided, single submitter. Criteria: CeGaT Center For Human Genetics Tuebingen Variant Classification Criteria Version 2. Collection method: clinical testing. Allele origin: germline. Affected: yes. Observed: 1 variant allele.
Comment: TRIOBP: BP4, BP7

GeneDx
Classification: Likely benign. Last evaluated: 2020-08-31. Review status: criteria provided, single submitter. Criteria: GeneDx Variant Classification Process June 2021. Collection method: clinical testing. Allele origin: germline. Affected: yes.